The following is an entry in ClinVar:

ClinVar aggregate classification (germline): Uncertain significance. Review status: criteria provided, single submitter (1 of 4 stars). 2 submissions from 2 submitters: Uncertain significance (1). 1 of the submissions does not count toward it. Last evaluated 2025-08-12.

Conditions:
CEP170B-related disorder. Also called: CEP170B-related condition.

Allele frequency attached by ClinVar (database versions not stated): 1000 Genomes Project 0.00040; 1000 Genomes Project 30x 0.00047; ESP Exome Variant Server 0.00155; TOPMed 0.00185; gnomAD 0.00194; ExAC 0.00274.
gnomAD v4.1: 4,511 of 1,565,430 alleles (0.29%); highest among the groups gnomAD compares: Non-Finnish European, 0.37%; 8 homozygotes.

Submissions (2):

Ambry Genetics
Classification: Uncertain significance. Last evaluated: 2025-08-12. Review status: criteria provided, single submitter. Criteria: Ambry Variant Classification Scheme 2023. Collection method: clinical testing. Allele origin: germline.

PreventionGenetics, part of Exact Sciences
Classification: Likely benign for CEP170B-related condition. Last evaluated: 2023-02-08. Review status: no assertion criteria provided. Collection method: clinical testing. Allele origin: germline. Not counted in ClinVar's aggregate classification.
Comment: This variant is classified as likely benign based on ACMG/AMP sequence variant interpretation guidelines (Richards et al. 2015 PMID: 25741868, with internal and published modifications).

NM_001112726.3(CEP170B):c.3644G>A (p.Arg1215Gln)

Gene: CEP170B (centrosomal protein 170B; plus strand). Cytogenetic location: 14q32.33.
Variant type: single nucleotide variant.
Coding change: c.3644G>A on transcript NM_001112726.3 (MANE Select); coding-DNA position 3644, G replaced by A.
Protein change: p.Arg1215Gln; replaces arginine 1215 with glutamine.
Molecular consequence: missense variant.
Genome position (GRCh38, 1-based): chr14:104,887,883, G>A. VCF-style: chr14-104887883-G-A. GRCh37 (hg19) VCF-style: chr14-105354220-G-A.
Other names: c.3434G>A, p.Arg1145Gln (NM_015005.3); short protein forms R1145Q, R1215Q.
Identifiers: ClinVar variation 3037737 (VCV003037737.3), dbSNP rs61733876, ClinGen allele CA7376174.